The following is an entry in ClinVar:

NM_015057.5(MYCBP2):c.9393A>G (p.Glu3131=)

Gene: MYCBP2 (MYC binding protein 2; minus strand). Cytogenetic location: 13q22.3.
Variant type: single nucleotide variant.
Coding change: c.9393A>G on transcript NM_015057.5 (MANE Select); coding-DNA position 9393, A replaced by G.
Protein change: p.Glu3131=; no amino-acid change (glutamic acid 3131 retained).
Molecular consequence: synonymous variant.
Genome position (GRCh38, 1-based): chr13:77,097,761, T>C on the plus strand (A>G on the coding strand, the complement: MYCBP2 is on the minus strand). VCF-style: chr13-77097761-T-C. GRCh37 (hg19) VCF-style: chr13-77671896-T-C.
Identifiers: ClinVar variation 3039753 (VCV003039753.2), dbSNP rs762640470, ClinGen allele CA7008518.

ClinVar aggregate classification (germline): Likely benign (0 of 4 stars; one submission).

Conditions:
MYCBP2-related disorder. Also called: MYCBP2-related condition.

Allele frequency attached by ClinVar (database versions not stated): ExAC 0.00001; gnomAD exomes 0.00001; TOPMed 0.00001.
gnomAD v4.1: 10 of 1,613,694 alleles (0.00062%); highest among the groups gnomAD compares: Non-Finnish European, 0.00085%; no homozygotes.

Submission:

PreventionGenetics, part of Exact Sciences
Classification: Likely benign for MYCBP2-related condition. Last evaluated: 2019-09-23. Review status: no assertion criteria provided. Collection method: clinical testing. Allele origin: germline.
Comment: This variant is classified as likely benign based on ACMG/AMP sequence variant interpretation guidelines (Richards et al. 2015 PMID: 25741868, with internal and published modifications).